The following is an entry in ClinVar:

ClinVar aggregate classification (germline): Benign (1 of 4 stars; one submission).

Conditions:
Familial cancer of breast. Also called: BREAST CANCER, FAMILIAL; Hereditary breast cancer; hereditary breast carcinoma. Identifiers: Orphanet 227535, MedGen C0346153, MONDO:0016419, OMIM 114480. Disease mechanism: loss of function.

Submission:

Myriad Genetics, Inc.
Classification: Benign for Familial cancer of breast. Last evaluated: 2024-04-29. Review status: criteria provided, single submitter. Criteria: Myriad Autosomal Dominant, Autosomal Recessive and X-Linked Classification Criteria (2023). Collection method: clinical testing. Allele origin: unknown.
Comment: This variant is considered benign. This variant is a silent/synonymous amino acid change and it is not expected to impact splicing.

NM_000051.4(ATM):c.1518C>A (p.Gly506=)

Gene: ATM (ATM serine/threonine kinase; plus strand). Cytogenetic location: 11q22.3.
Variant type: single nucleotide variant.
Coding change: c.1518C>A on transcript NM_000051.4 (MANE Select); coding-DNA position 1518, C replaced by A.
Protein change: p.Gly506=; no amino-acid change (glycine 506 retained).
Molecular consequence: synonymous variant.
Genome position (GRCh38, 1-based): chr11:108,250,983, C>A. VCF-style: chr11-108250983-C-A. GRCh37 (hg19) VCF-style: chr11-108121710-C-A.
Other names: c.1518C>A, p.Gly506= (NM_001351834.2).
Identifiers: ClinVar variation 3254161 (VCV003254161.1), dbSNP rs864622528.